The following is an entry in ClinVar:

ClinVar aggregate classification (germline): Uncertain significance (1 of 4 stars; one submission).

Conditions:
Severe myoclonic epilepsy in infancy (DRVT). Also called: DEVELOPMENTAL AND EPILEPTIC ENCEPHALOPATHY 6A; Severe Myoclonic Epilepsy in Infancy (SMEI); SEVERE MYOCLONIC EPILEPSY OF INFANCY; Dravet syndrome; Epileptic encephalopathy, early infantile, 6 (Dravet syndrome). Identifiers: Orphanet 33069, MedGen C0751122, MONDO:0100135, OMIM 607208.

Allele frequency attached by ClinVar (database versions not stated): gnomAD exomes below 0.00001; gnomAD 0.00001; TOPMed 0.00002.
gnomAD v4.1: 2 of 1,502,954 alleles (0.00013%); highest among the groups gnomAD compares: African/African-American, 0.0014%; no homozygotes.

Submission:

Labcorp Genetics (formerly Invitae), Labcorp
Classification: Uncertain significance for Severe myoclonic epilepsy in infancy. Last evaluated: 2023-08-30. Review status: criteria provided, single submitter. Criteria: Invitae Variant Classification Sherloc (09022015). Collection method: clinical testing. Allele origin: germline.
Comment: This sequence change replaces glutamic acid, which is acidic and polar, with lysine, which is basic and polar, at codon 73 of the SNX27 protein (p.Glu73Lys). This variant is not present in population databases (gnomAD no frequency). This variant has not been reported in the literature in individuals affected with SNX27-related conditions. ClinVar contains an entry for this variant (Variation ID: 2159874). An algorithm developed to predict the effect of missense changes on protein structure and function (PolyPhen-2) suggests that this variant is likely to be disruptive. In summary, the available evidence is currently insufficient to determine the role of this variant in disease. Therefore, it has been classified as a Variant of Uncertain Significance.

NM_001330723.2(SNX27):c.217G>A (p.Glu73Lys)

Gene: SNX27 (sorting nexin 27; plus strand). Cytogenetic location: 1q21.3.
Variant type: single nucleotide variant.
Coding change: c.217G>A on transcript NM_001330723.2 (MANE Select); coding-DNA position 217, G replaced by A.
Protein change: p.Glu73Lys; replaces glutamic acid 73 with lysine.
Molecular consequence: missense variant.
Genome position (GRCh38, 1-based): chr1:151,612,418, G>A. VCF-style: chr1-151612418-G-A. GRCh37 (hg19) VCF-style: chr1-151584894-G-A.
Other names: c.217G>A, p.Glu73Lys (NM_030918.6); short protein forms E73K.
Identifiers: ClinVar variation 2159874 (VCV002159874.2), dbSNP rs1198237309, ClinGen allele CA341974349.